The following is an entry in ClinVar:

NM_000142.5(FGFR3):c.784A>C (p.Asn262His)

Gene: FGFR3 (fibroblast growth factor receptor 3; plus strand). Cytogenetic location: 4p16.3.
Variant type: single nucleotide variant.
Coding change: c.784A>C on transcript NM_000142.5 (MANE Select); coding-DNA position 784, A replaced by C.
Protein change: p.Asn262His; replaces asparagine 262 with histidine.
Molecular consequence: missense variant. On other transcripts: non-coding transcript variant (1).
Genome position (GRCh38, 1-based): chr4:1,801,879, A>C. VCF-style: chr4-1801879-A-C. GRCh37 (hg19) VCF-style: chr4-1803606-A-C.
Other names: c.784A>C, p.Asn262His (NM_001163213.2, NM_001354809.2, NM_001354810.2 and 1 more transcripts); short protein forms N262H.
Identifiers: ClinVar variation 4857829 (VCV004857829.1).

ClinVar aggregate classification (germline): Likely pathogenic (1 of 4 stars; one submission).

Conditions:
Hypochondroplasia (HCH). Identifiers: Orphanet 429, MedGen C0410529, MONDO:0007793, OMIM 146000. Disease mechanism: gain of function.

Submission:

Genomenon, Inc
Classification: Likely pathogenic for Hypochondroplasia. Last evaluated: 2026-06-23. Review status: criteria provided, single submitter. Criteria: Genomenon Sequence Variant Interpretation Standards - Updated. Collection method: curation. Allele origin: germline. Affected: yes.
Comment: FGFR3 p.Asn262His (c.784A>C) is a missense variant that changes the amino acid at codon 262 from Asparagine to Histidine. This variant has been observed in at least one proband with hypochondroplasia (PMID:16912704). A de novo occurrence of this variant has been observed in at least one affected individual (PMID:16912704). It is absent or not present at a significant frequency in gnomAD. In silico models predict that this variant is possibly or probably damaging. In conclusion, we classify FGFR3 p.Asn262His (c.784A>C) as a likely pathogenic variant.

Literature cited by the submitters: PubMed 16912704; PubMed 34162030; PubMed 30681580; PubMed 29736252; PubMed 17895900; PubMed 22302603; PubMed 24411048.